The following is an entry in ClinVar:

NM_000051.3:c.435_436insALU

Gene: ATM (ATM serine/threonine kinase; plus strand).
Variant type: Insertion.
Identifiers: ClinVar variation 1739930 (VCV001739930.2).

ClinVar aggregate classification (germline): Likely pathogenic (1 of 4 stars; one submission).

Conditions:
Hereditary cancer-predisposing syndrome. Also called: Hereditary Cancer Syndrome; Hereditary neoplastic syndrome; Neoplastic Syndromes, Hereditary; Tumor predisposition. Identifiers: Orphanet 140162, MedGen C0027672, MeSH D009386, MONDO:0015356.

Submission:

Ambry Genetics
Classification: Likely pathogenic for Hereditary cancer-predisposing syndrome. Last evaluated: 2021-09-07. Review status: criteria provided, single submitter. Criteria: Ambry Variant Classification Scheme 2023. Collection method: clinical testing. Allele origin: germline.
Comment: The c.435_436insAlu likely pathogenic variant results from an Alu element insertion located in coding exon 4 of the ATM gene. Alu element insertions contribute to pathogenicity by either disrupting the coding sequence or inducing aberrant splicing (Belancio VP et al. Semin. Cancer Biol. 2010 Aug;20:200-10; Deininger P et al. Genome Biol. 2011 Dec;12:236). RNA studies have demonstrated that this alteration results in abnormal splicing in the set of samples tested (Ambry internal data). Based on the majority of available evidence to date, this variant is likely to be pathogenic.